The following is an entry in ClinVar:

ClinVar aggregate classification (germline): Uncertain significance (1 of 4 stars; one submission).

Conditions:
RASopathy. Also called: rasopathies; Noonan spectrum disorder. Identifiers: Orphanet 536391, MedGen C5555857, MONDO:0021060.

Submission:

Labcorp Genetics (formerly Invitae), Labcorp
Classification: Uncertain significance for RASopathy. Last evaluated: 2024-07-30. Review status: criteria provided, single submitter. Criteria: Invitae Variant Classification Sherloc (09022015). Collection method: clinical testing. Allele origin: germline.
Comment: This sequence change falls in intron 13 of the CBL gene. It does not directly change the encoded amino acid sequence of the CBL protein. This variant is not present in population databases (gnomAD no frequency). This variant has not been reported in the literature in individuals affected with CBL-related conditions. Algorithms developed to predict the effect of sequence changes on RNA splicing suggest that this variant may disrupt the consensus splice site. In summary, the available evidence is currently insufficient to determine the role of this variant in disease. Therefore, it has been classified as a Variant of Uncertain Significance.

NM_005188.4(CBL):c.2154-14T>G

Gene: CBL (Cbl proto-oncogene; plus strand). Cytogenetic location: 11q23.3.
Variant type: single nucleotide variant.
Coding change: c.2154-14T>G on transcript NM_005188.4 (MANE Select); 14 bases into the intron before coding-DNA position 2154, T replaced by G.
Molecular consequence: intron variant.
Genome position (GRCh38, 1-based): chr11:119,297,370, T>G. VCF-style: chr11-119297370-T-G. GRCh37 (hg19) VCF-style: chr11-119168080-T-G.
Identifiers: ClinVar variation 3709367 (VCV003709367.2).